The following is an entry in ClinVar:

NM_014625.4(NPHS2):c.714G>T (p.Arg238Ser)

Gene: NPHS2 (NPHS2 stomatin family member, podocin; minus strand). Cytogenetic location: 1q25.2.
Variant type: single nucleotide variant.
Coding change: c.714G>T on transcript NM_014625.4 (MANE Select); coding-DNA position 714, G replaced by T.
Protein change: p.Arg238Ser; replaces arginine 238 with serine.
Molecular consequence: missense variant. On other transcripts: intron variant (1).
Genome position (GRCh38, 1-based): chr1:179,557,051, C>A on the plus strand (G>T on the coding strand, the complement: NPHS2 is on the minus strand). VCF-style: chr1-179557051-C-A. GRCh37 (hg19) VCF-style: chr1-179526186-C-A.
Other names: c.535-2520G>T (NM_001297575.2); short protein forms R238S.
Identifiers: ClinVar variation 556556 (VCV000556556.21), dbSNP rs748812981, ClinGen allele CA1267150.

ClinVar aggregate classification (germline): Pathogenic/Likely pathogenic. Review status: criteria provided, multiple submitters, no conflicts (2 of 4 stars). 12 submissions from 12 submitters: Pathogenic (7); Likely pathogenic (4). 1 of the submissions does not count toward it. Last evaluated 2026-01-06.

Conditions:
Nephrotic syndrome, type 2 (NPHS2). Also called: NEPHROTIC SYNDROME, STEROID-RESISTANT, AUTOSOMAL RECESSIVE. Identifiers: Orphanet 656, MedGen C1868672, MONDO:0010974, OMIM 600995.
Focal segmental glomerulosclerosis (FSGS). Also called: Glomerulosclerosis, focal; Focal sclerosis with hyalinosis. Identifiers: MedGen C0017668, MONDO:0100313, HP:0000097. Disease mechanism: loss of function.
Steroid-resistant nephrotic syndrome. Identifiers: MedGen C0403397, MONDO:0044765, HP:0012588.

Allele frequency attached by ClinVar (database versions not stated): gnomAD exomes 0.00001; TOPMed 0.00001; ExAC 0.00002; gnomAD 0.00003.
gnomAD v4.1: 14 of 1,613,804 alleles (0.00087%); highest among the groups gnomAD compares: African/African-American, 0.0013%; no homozygotes.

Submissions (12):

Labcorp Genetics (formerly Invitae), Labcorp
Classification: Pathogenic. Last evaluated: 2026-01-06. Review status: criteria provided, single submitter. Criteria: Invitae Variant Classification Sherloc (09022015). Collection method: clinical testing. Allele origin: germline.
Comment: This sequence change replaces arginine, which is basic and polar, with serine, which is neutral and polar, at codon 238 of the NPHS2 protein (p.Arg238Ser). This variant is present in population databases (rs748812981, gnomAD 0.004%). This missense change has been observed in individuals with steroid-resistant nephrotic syndrome (PMID: 1523708, 15264208, 23515051, 24072147). It has also been observed to segregate with disease in related individuals. ClinVar contains an entry for this variant (Variation ID: 556556). Invitae Evidence Modeling of protein sequence and biophysical properties (such as structural, functional, and spatial information, amino acid conservation, physicochemical variation, residue mobility, and thermodynamic stability) indicates that this missense variant is expected to disrupt NPHS2 protein function with a positive predictive value of 95%. For these reasons, this variant has been classified as Pathogenic.

Variantyx, Inc.
Classification: Pathogenic for Nephrotic syndrome, type 2. Last evaluated: 2025-11-06. Review status: criteria provided, single submitter. Criteria: Variantyx Assertion Criteria 2022. Collection method: clinical testing. Allele origin: germline. Inheritance: Autosomal recessive inheritance. Affected: no.
Comment: This is a nonsynonymous variant in the NPHS2 gene (OMIM: 604766). Pathogenic variants in this gene have been associated with autosomal recessive nephrotic syndrome type 2. This variant has been identified in the homozygous or compound heterozygous state in at least two individuals reported in the published literature (PMID: 23515051, 14675423) (PM3) and it has been observed to segregate with disease in at least three individuals from one family (PMID: 15264208) (PP1). An alternate nucleotide substitution resulting in the same amino acid change (c.c.714G>C) has been previously reported as pathogenic (PMID: 15253708‚16810518) (PS1) and multiple computational algorithms predict a deleterious effect for this variant (REVEL score: 0.917) (PP3). This variant has a 0.0013% maximum allele frequency in non-founder control populations (PM2). Based on the current evidence, this variant is classified as pathogenic for autosomal recessive nephrotic syndrome type 2.

Natera, Inc.
Classification: Pathogenic for Steroid-resistant nephrotic syndrome. Last evaluated: 2025-01-02. Review status: criteria provided, single submitter. Criteria: Natera Variant Classification Schema (03/2026). Collection method: clinical testing. Allele origin: germline.
Comment: The c.714G>T variant in NPHS2 is a missense variant predicted to cause substitution of arginine to serine at amino acid 238. This variant is rare in the general population with a frequency below the threshold expected for the associated phenotype(s). This variant has been observed in one or more individuals affected with the associated recessive disease, as either homozygous or compound heterozygous with a second variant (PMID: 25349199, 15253708, 23515051, 16810518, 15264208). Computational prediction algorithms indicate this variant is likely to affect gene or protein function. Given the available evidence, this variant is classified as Pathogenic.

Fulgent Genetics
Classification: Pathogenic for Nephrotic syndrome, type 2. Last evaluated: 2024-05-31. Review status: criteria provided, single submitter. Criteria: ACMG Guidelines, 2015. Collection method: clinical testing. Allele origin: germline.

Baylor Genetics
Classification: Pathogenic for Nephrotic syndrome, type 2. Last evaluated: 2024-03-19. Review status: criteria provided, single submitter. Criteria: ACMG Guidelines, 2015. Collection method: clinical testing. Allele origin: unknown.

Revvity Omics, Revvity
Classification: Likely pathogenic for Nephrotic syndrome, type 2. Last evaluated: 2023-06-20. Review status: criteria provided, single submitter. Criteria: ACMG Guidelines, 2015. Collection method: clinical testing. Allele origin: germline.

Genome-Nilou Lab
Classification: Likely pathogenic for Nephrotic syndrome, type 2. Last evaluated: 2023-04-11. Review status: criteria provided, single submitter. Criteria: ACMG Guidelines, 2015. Collection method: clinical testing. Allele origin: germline. Affected: no.

Genome Diagnostics Laboratory, The Hospital for Sick Children
Classification: Likely pathogenic for Focal segmental glomerulosclerosis. Last evaluated: 2022-09-06. Review status: criteria provided, single submitter. Criteria: ACMG Guidelines, 2015. Collection method: clinical testing. Allele origin: germline.

Athena Diagnostics
Classification: Pathogenic. Last evaluated: 2021-06-17. Review status: criteria provided, single submitter. Criteria: Athena Diagnostics Criteria. Collection method: clinical testing. Allele origin: unknown.
Comment: The frequency of this variant in the general population is consistent with pathogenicity. This variant appears to segregate with disease in at least one family, however, the available information does not rule out segregation due to chance. Computational tools yielded predictions that this variant may result in the gain of a cryptic splice site without affecting the natural splice sites. In multiple individuals, this variant has been seen with a single recessive pathogenic variant in the same gene, suggesting this variant may also be pathogenic. Computational tools predict that this variant is damaging.

Johns Hopkins Genomics, Johns Hopkins University
Classification: Likely pathogenic for Nephrotic syndrome, type 2. Last evaluated: 2021-03-30. Review status: criteria provided, single submitter. Criteria: ACMG Guidelines, 2015. Collection method: clinical testing. Allele origin: germline.
Comment: NPHS2 c.714G>T has been identified in the compound heterozygote or homozygous state in multiple individuals with steroid-resistant nephrotic syndrome. This NPHS2 variant (rs748812981) is rare (<0.1%) in a large population dataset (gnomAD: 4/282142 total alleles; 0.0014%; no homozygotes). There is an entry for this variant in ClinVar (Variation ID: 556556). Three bioinformatic tools queried predict that this substitution would be damaging, and the arginine residue at this position is evolutionarily conserved across most species assessed. We consider NPHS2 c.714G>T to be likely pathogenic.

Women's Health and Genetics/Laboratory Corporation of America, LabCorp
Classification: Pathogenic for Idiopathic nephrotic syndrome. Last evaluated: 2018-02-22. Review status: criteria provided, single submitter. Criteria: LabCorp Variant Classification Summary - May 2015. Collection method: clinical testing. Allele origin: germline.
Comment: Variant summary: NPHS2 c.714G>T (p.Arg238Ser) results in a non-conservative amino acid change located in the Band 7 domain of the encoded protein sequence. Five of five in-silico tools predict a damaging effect of the variant on protein function. The variant was identified in 4/276486 control chromosomes of the gnomAD dataset. This frequency is not significantly higher than expected for a pathogenic variant in NPHS2 causing Nephrotic Syndrome, Type 2 (1.4e-05 vs 1.80e-03), allowing no conclusion about variant significance. The c.714G>T has been reported in the literature in multiple individuals affected with Nephrotic Syndrome, Type 2 (Basiratnia_2013, Lipska_2013, Sadowski_2014). These data indicate that the variant is very likely to be associated with disease. At least one publication reports experimental evidence evaluating an impact on protein function, however, does not allow convincing conclusions about the variant effect (Roselli_2014). No clinical diagnostic laboratories have submitted clinical-significance assessments for this variant to ClinVar after 2014. Based on the evidence outlined above, the variant was classified as pathogenic.

Counsyl
Classification: Likely pathogenic for Nephrotic syndrome, type 2. Last evaluated: 2018-02-06. Review status: no assertion criteria provided. Collection method: clinical testing. Allele origin: unknown. Not counted in ClinVar's aggregate classification.

Literature cited by the submitters: PubMed 1523708 (cited by Labcorp Genetics (formerly Invitae), Labcorp); PubMed 15264208 (cited by 5 submitters); PubMed 23515051 (cited by 7 submitters); PubMed 24072147 (cited by 5 submitters); PubMed 14675423 (cited by 5 submitters); PubMed 25349199 (cited by 4 submitters); PubMed 15253708 (cited by 4 submitters); PubMed 16810518 (cited by 4 submitters); PubMed 25525159 (cited by Athena Diagnostics and Counsyl); PubMed 24509478 (cited by Athena Diagnostics and Counsyl); PubMed 21636722 (cited by Athena Diagnostics and Counsyl).